The following is an entry in ClinVar:

ClinVar aggregate classification (germline): Conflicting classifications of pathogenicity. Review status: criteria provided, conflicting classifications (1 of 4 stars). 2 submissions from 2 submitters: Uncertain significance (1); Likely benign (1). Last evaluated 2024-06-15.

Conditions:
Episodic kinesigenic dyskinesia (EKD). Also called: Paroxysmal kinesigenic dyskinesia. Identifiers: Orphanet 98809, MedGen C1868682, MONDO:0044202.

Allele frequency attached by ClinVar (database versions not stated): gnomAD exomes 0.00001 and 0.00002; gnomAD 0.00003 and 0.00004; ExAC 0.00004; TOPMed 0.00005.
gnomAD v4.1: 14 of 1,613,946 alleles (0.00087%); highest among the groups gnomAD compares: East Asian, 0.0089%; no homozygotes.

Submissions (2):

Labcorp Genetics (formerly Invitae), Labcorp
Classification: Likely benign for Episodic kinesigenic dyskinesia. Last evaluated: 2024-06-15. Review status: criteria provided, single submitter. Criteria: Invitae Variant Classification Sherloc (09022015). Collection method: clinical testing. Allele origin: germline.

Women's Health and Genetics/Laboratory Corporation of America, LabCorp
Classification: Uncertain significance. Last evaluated: 2023-11-17. Review status: criteria provided, single submitter. Criteria: LabCorp Variant Classification Summary - May 2015. Collection method: clinical testing. Allele origin: germline.
Comment: Variant summary: PRRT2 c.304G>A (p.Glu102Lys) results in a conservative amino acid change in the encoded protein sequence. Five of five in-silico tools predict a benign effect of the variant on protein function. The variant allele was found at a frequency of 2.4e-05 in 251282 control chromosomes (gnomAD). The available data on variant occurrences in the general population are insufficient to allow any conclusion about variant significance. To our knowledge, no occurrence of c.304G>A in individuals affected with Episodic Kinesigenic Dyskinesia 1 and no experimental evidence demonstrating its impact on protein function have been reported. One submitter has cited a clinical-significance assessment for this variant to ClinVar after 2014 and has classified the variant as uncertain significance. Based on the evidence outlined above, the variant was classified as uncertain significance.

NM_145239.3(PRRT2):c.304G>A (p.Glu102Lys)

Genes: MVP-DT (MVP divergent transcript; minus strand), PRRT2 (proline rich transmembrane protein 2; plus strand). Cytogenetic location: 16p11.2.
Variant type: single nucleotide variant.
Coding change: c.304G>A on transcript NM_145239.3 (MANE Select); coding-DNA position 304, G replaced by A.
Protein change: p.Glu102Lys; replaces glutamic acid 102 with lysine.
Molecular consequence: missense variant.
Genome position (GRCh38, 1-based): chr16:29,813,358, G>A. VCF-style: chr16-29813358-G-A. GRCh37 (hg19) VCF-style: chr16-29824679-G-A.
Other names: c.304G>A, p.Glu102Lys (NM_001256442.2, NM_001256443.2); short protein forms E102K.
Identifiers: ClinVar variation 1366743 (VCV001366743.9), dbSNP rs748419907, ClinGen allele CA7994507.